The following is an entry in ClinVar:

NM_001145026.2(PTPRQ):c.1859T>C (p.Ile620Thr)

Gene: PTPRQ (protein tyrosine phosphatase receptor type Q; plus strand). Cytogenetic location: 12q21.31.
Variant type: single nucleotide variant.
Coding change: c.1859T>C on transcript NM_001145026.2 (MANE Select); coding-DNA position 1859, T replaced by C.
Protein change: p.Ile620Thr; replaces isoleucine 620 with threonine.
Molecular consequence: missense variant.
Genome position (GRCh38, 1-based): chr12:80,495,348, T>C. VCF-style: chr12-80495348-T-C. GRCh37 (hg19) VCF-style: chr12-80889127-T-C.
Other names: short protein forms I620T.
Identifiers: ClinVar variation 4980545 (VCV004980545.1).

ClinVar aggregate classification (germline): Uncertain significance (1 of 4 stars; one submission).

Conditions:
PTPRQ-related disorder. Also called: PTPRQ-related condition.

gnomAD v4.1: 175 of 1,519,760 alleles (0.012%); highest among the groups gnomAD compares: South Asian, 0.15%; no homozygotes.

Submission:

PreventionGenetics, part of Exact Sciences
Classification: Uncertain significance for PTPRQ-related condition. Last evaluated: 2026-06-11. Review status: criteria provided, single submitter. Criteria: ACMG Guidelines, 2015. Collection method: clinical testing. Allele origin: germline.
Comment: The PTPRQ c.1859T>C variant is predicted to result in the amino acid substitution p.Ile620Thr. To our knowledge, this variant has not been reported in the literature. This variant is reported in 0.17% of alleles in individuals of South Asian descent in gnomAD. Although we suspect that this variant may be benign, at this time, the clinical significance of this variant is uncertain due to the absence of conclusive functional and genetic evidence.